The following is an entry in ClinVar:

ClinVar aggregate classification (germline): Uncertain significance. Review status: criteria provided, multiple submitters, no conflicts (2 of 4 stars). 3 submissions from 3 submitters: Uncertain significance (3). Last evaluated 2025-09-24.

Conditions:
LAMA2-related muscular dystrophy (LAMA2-RD). Also called: Laminin alpha 2-related dystrophy. Identifiers: MedGen C5679788, MONDO:0100228.
Muscular dystrophy, limb-girdle, autosomal recessive 23. Identifiers: Orphanet 565837, MedGen C4748327, MONDO:0029136, OMIM 618138.
Merosin deficient congenital muscular dystrophy (MDC1A). Also called: Congenital Muscular Dystrophy Type 1A (MDC1A); Congenital merosin-deficient muscular dystrophy 1A. Identifiers: Orphanet 258, MedGen C1263858, MONDO:0011925, OMIM 607855.

Allele frequency attached by ClinVar (database versions not stated): gnomAD exomes below 0.00001; ExAC 0.00001; TOPMed 0.00001.
gnomAD v4.1: 19 of 1,611,934 alleles (0.0012%); highest among the groups gnomAD compares: East Asian, 0.0022%; no homozygotes.

Submissions (3):

Genesolutions, Medical Genetics Institutes, Ho Chi Minh City, Vietnam
Classification: Uncertain significance for Muscular dystrophy, limb-girdle, autosomal recessive 23. Last evaluated: 2025-09-24. Review status: criteria provided, single submitter. Criteria: ACMG Guidelines, 2015. Collection method: clinical testing. Allele origin: germline. Affected: yes.

Labcorp Genetics (formerly Invitae), Labcorp
Classification: Uncertain significance for LAMA2-related muscular dystrophy. Last evaluated: 2022-06-27. Review status: criteria provided, single submitter. Criteria: Invitae Variant Classification Sherloc (09022015). Collection method: clinical testing. Allele origin: germline.
Comment: This sequence change falls in intron 32 of the LAMA2 gene. It does not directly change the encoded amino acid sequence of the LAMA2 protein. It affects a nucleotide within the consensus splice site. This variant is present in population databases (rs776050258, gnomAD 0.006%). This variant has not been reported in the literature in individuals affected with LAMA2-related conditions. ClinVar contains an entry for this variant (Variation ID: 1028253). Variants that disrupt the consensus splice site are a relatively common cause of aberrant splicing (PMID: 17576681, 9536098). Algorithms developed to predict the effect of sequence changes on RNA splicing suggest that this variant may disrupt the consensus splice site. In summary, the available evidence is currently insufficient to determine the role of this variant in disease. Therefore, it has been classified as a Variant of Uncertain Significance.

Baylor Genetics
Classification: Uncertain significance for Merosin deficient congenital muscular dystrophy. Last evaluated: 2019-03-06. Review status: criteria provided, single submitter. Criteria: ACMG Guidelines, 2015. Collection method: clinical testing. Allele origin: paternal. Affected: yes.
Comment: This variant was determined to be of uncertain significance according to ACMG Guidelines, 2015 [PMID:25741868].

Literature cited by the submitters: PubMed 17576681 (cited by Labcorp Genetics (formerly Invitae), Labcorp); PubMed 9536098 (cited by Labcorp Genetics (formerly Invitae), Labcorp).

NM_000426.4(LAMA2):c.4717+5G>A

Gene: LAMA2 (laminin subunit alpha 2; plus strand). Cytogenetic location: 6q22.33.
Variant type: single nucleotide variant.
Coding change: c.4717+5G>A on transcript NM_000426.4 (MANE Select); 5 bases into the intron after coding-DNA position 4717, G replaced by A.
Molecular consequence: intron variant.
Genome position (GRCh38, 1-based): chr6:129,353,362, G>A. VCF-style: chr6-129353362-G-A. GRCh37 (hg19) VCF-style: chr6-129674507-G-A.
Other names: c.4717+5G>A (NM_001079823.2).
Identifiers: ClinVar variation 1028253 (VCV001028253.5), dbSNP rs776050258, ClinGen allele CA3993641.
Genomic context (GRCh38, chr6:129,353,362, plus strand): 5'-AAGGAAGTGTGACGGCTGCAAGCACTGGCATGCACGCGAGGGCTGGGAGTGTGTTTGTAC[G>A]TATACTAACTTTGCTGTTAGTTTTGGAGGCCTTGATTCCAGTTCTGTCTCATTTCCAATG-3'